The following is an entry in ClinVar:

ClinVar aggregate classification (germline): Uncertain significance (1 of 4 stars; one submission).

Conditions:
Weaver syndrome (WVS). Also called: Weaver Smith syndrome; Overgrowth syndrome with accelerated skeletal maturation, unusual facies, and camptodactyly. Identifiers: Orphanet 3447, MedGen C0265210, MONDO:0010193, OMIM 277590.

Allele frequency attached by ClinVar (database versions not stated): gnomAD exomes below 0.00001.
gnomAD v4.1: 1 of 1,613,356 alleles (0.000062%); highest among the groups gnomAD compares: African/African-American, 0.0013%; no homozygotes.

Submission:

Labcorp Genetics (formerly Invitae), Labcorp
Classification: Uncertain significance for Weaver syndrome. Last evaluated: 2026-01-05. Review status: criteria provided, single submitter. Criteria: Invitae Variant Classification Sherloc (09022015). Collection method: clinical testing. Allele origin: germline.
Comment: This sequence change replaces glycine, which is neutral and non-polar, with alanine, which is neutral and non-polar, at codon 179 of the EZH2 protein (p.Gly179Ala). This variant is not present in population databases (gnomAD no frequency). This variant has not been reported in the literature in individuals affected with EZH2-related conditions. ClinVar contains an entry for this variant (Variation ID: 2194026). Invitae Evidence Modeling of protein sequence and biophysical properties (such as structural, functional, and spatial information, amino acid conservation, physicochemical variation, residue mobility, and thermodynamic stability) indicates that this missense variant is not expected to disrupt EZH2 protein function with a negative predictive value of 80%. In summary, the available evidence is currently insufficient to determine the role of this variant in disease. Therefore, it has been classified as a Variant of Uncertain Significance.

NM_004456.5(EZH2):c.536G>C (p.Gly179Ala)

Gene: EZH2 (enhancer of zeste 2 polycomb repressive complex 2 subunit; minus strand). Cytogenetic location: 7q36.1.
Variant type: single nucleotide variant.
Coding change: c.536G>C on transcript NM_004456.5 (MANE Select); coding-DNA position 536, G replaced by C.
Protein change: p.Gly179Ala; replaces glycine 179 with alanine.
Molecular consequence: missense variant.
Genome position (GRCh38, 1-based): chr7:148,828,829, C>G on the plus strand (G>C on the coding strand, the complement: EZH2 is on the minus strand). VCF-style: chr7-148828829-C-G. GRCh37 (hg19) VCF-style: chr7-148525921-C-G.
Other names: c.536G>C, p.Gly179Ala (NM_001203247.2); c.509G>C, p.Gly170Ala (NM_001203248.2, NM_001203249.2); c.419G>C, p.Gly140Ala (NM_152998.3); short protein forms G170A, G140A, G179A.
Identifiers: ClinVar variation 2194026 (VCV002194026.4), dbSNP rs2129476461, ClinGen allele CA369720553.
Genomic context (GRCh38, chr7:148,828,829, plus strand): 5'-TTTTCTTCTCTTTCTTCAGGATCGTCTCCATCATCATCATCGTCATCATCATTATATTGA[C>G]CAAGGGCATTCACCAACTCCACAAAAATTTCATCATTTATAAACCCACATTCTGAAACGC-3'
Protein context (NP_004447.2, residues 169-189): EIFVELVNAL[Gly179Ala]QYNDDDDDDD